The following is an entry in ClinVar:

ClinVar aggregate classification (germline): Uncertain significance (1 of 4 stars; one submission).

Submission:

Labcorp Genetics (formerly Invitae), Labcorp
Classification: Uncertain significance. Last evaluated: 2021-09-22. Review status: criteria provided, single submitter. Criteria: Invitae Variant Classification Sherloc (09022015). Collection method: clinical testing. Allele origin: germline.
Comment: In summary, the available evidence is currently insufficient to determine the role of this variant in disease. Therefore, it has been classified as a Variant of Uncertain Significance. Algorithms developed to predict the effect of missense changes on protein structure and function are either unavailable or do not agree on the potential impact of this missense change (SIFT: "Deleterious"; PolyPhen-2: "Benign"; Align-GVGD: "Class C0"). This variant has not been reported in the literature in individuals affected with ACBD5-related conditions. This sequence change replaces phenylalanine with leucine at codon 3 of the ACBD5 protein (p.Phe3Leu). The phenylalanine residue is weakly conserved and there is a small physicochemical difference between phenylalanine and leucine. This variant is not present in population databases (ExAC no frequency).

NM_145698.5(ACBD5):c.9C>G (p.Phe3Leu)

Gene: ACBD5 (acyl-CoA binding domain containing 5; minus strand). Cytogenetic location: 10p12.1.
Variant type: single nucleotide variant.
Coding change: c.9C>G on transcript NM_145698.5 (MANE Select); coding-DNA position 9, C replaced by G.
Protein change: p.Phe3Leu; replaces phenylalanine 3 with leucine.
Molecular consequence: missense variant. On other transcripts: 5 prime UTR variant (7), intron variant (11).
Genome position (GRCh38, 1-based): chr10:27,240,680, G>C on the plus strand (C>G on the coding strand, the complement: ACBD5 is on the minus strand). VCF-style: chr10-27240680-G-C. GRCh37 (hg19) VCF-style: chr10-27529609-G-C.
Other names: c.-187C>G (NM_001271512.3, NM_001352571.1, NM_001352586.1 and 1 more transcripts); c.40C>G, p.Pro14Ala (NM_001352568.1, NM_001352572.1); c.9C>G, p.Phe3Leu (NM_001352569.1, NM_001352570.1, NM_001352573.1 and 2 more transcripts); c.-188C>G (NM_001352583.1, NM_001352585.1); c.-198C>G (NM_001352584.1); c.-181-206C>G (NM_001301253.2); c.-80-206C>G (NM_001352580.2, NM_001352577.2, NM_001352575.2); c.-191-196C>G (NM_001301251.2); and 1 more; short protein forms P14A, F3L.
Identifiers: ClinVar variation 1369249 (VCV001369249.6), dbSNP rs2138634938, ClinGen allele CA376379002.